The following is an entry in ClinVar:

ClinVar aggregate classification (germline): Uncertain significance (1 of 4 stars; one submission).

Conditions:
Cohen syndrome (COH1). Also called: PEPPER SYNDROME; Cutis verticis gyrata, retinitis pigmentosa, and sensorineural deafness. Identifiers: Orphanet 193, MedGen C0265223, MONDO:0008999, OMIM 216550.

Allele frequency attached by ClinVar (database versions not stated): gnomAD exomes 0.00001.
gnomAD v4.1: 9 of 1,614,160 alleles (0.00056%); highest among the groups gnomAD compares: Non-Finnish European, 0.00068%; no homozygotes.

Submission:

Labcorp Genetics (formerly Invitae), Labcorp
Classification: Uncertain significance for Cohen syndrome. Last evaluated: 2022-03-28. Review status: criteria provided, single submitter. Criteria: Invitae Variant Classification Sherloc (09022015). Collection method: clinical testing. Allele origin: germline.
Comment: This sequence change replaces isoleucine, which is neutral and non-polar, with valine, which is neutral and non-polar, at codon 1913 of the VPS13B protein (p.Ile1913Val). This variant is not present in population databases (gnomAD no frequency). This variant has not been reported in the literature in individuals affected with VPS13B-related conditions. Algorithms developed to predict the effect of missense changes on protein structure and function output the following: SIFT: "Not Available"; PolyPhen-2: "Benign"; Align-GVGD: "Not Available". The valine amino acid residue is found in multiple mammalian species, which suggests that this missense change does not adversely affect protein function. Algorithms developed to predict the effect of sequence changes on RNA splicing suggest that this variant may create or strengthen a splice site. In summary, the available evidence is currently insufficient to determine the role of this variant in disease. Therefore, it has been classified as a Variant of Uncertain Significance.

NM_152564.5(VPS13B):c.5662A>G (p.Ile1888Val)

Gene: VPS13B (vacuolar protein sorting 13 homolog B; plus strand). Cytogenetic location: 8q22.2.
Variant type: single nucleotide variant.
Coding change: c.5662A>G on transcript NM_152564.5 (MANE Select); coding-DNA position 5662, A replaced by G.
Protein change: p.Ile1888Val; replaces isoleucine 1888 with valine.
Molecular consequence: missense variant.
Genome position (GRCh38, 1-based): chr8:99,642,252, A>G. VCF-style: chr8-99642252-A-G. GRCh37 (hg19) VCF-style: chr8-100654480-A-G.
Other names: c.5737A>G, p.Ile1913Val (NM_017890.5); short protein forms I1913V, I1888V.
Identifiers: ClinVar variation 1361044 (VCV001361044.5), dbSNP rs2133932160, ClinGen allele CA371873048.